The following is an entry in ClinVar:

NM_004560.4(ROR2):c.2252A>G (p.Asn751Ser)

Gene: ROR2 (receptor tyrosine kinase like orphan receptor 2; minus strand). Cytogenetic location: 9q22.31.
Variant type: single nucleotide variant.
Coding change: c.2252A>G on transcript NM_004560.4 (MANE Select); coding-DNA position 2252, A replaced by G.
Protein change: p.Asn751Ser; replaces asparagine 751 with serine.
Molecular consequence: missense variant.
Genome position (GRCh38, 1-based): chr9:91,724,242, T>C on the plus strand (A>G on the coding strand, the complement: ROR2 is on the minus strand). VCF-style: chr9-91724242-T-C. GRCh37 (hg19) VCF-style: chr9-94486524-T-C.
Other names: short protein forms N751S.
Identifiers: ClinVar variation 4704379 (VCV004704379.1).

ClinVar aggregate classification (germline): Uncertain significance (1 of 4 stars; one submission).

gnomAD v4.1: 3 of 1,613,460 alleles (0.00019%); highest among the groups gnomAD compares: African/African-American, 0.0013%; no homozygotes.

Submission:

Labcorp Genetics (formerly Invitae), Labcorp
Classification: Uncertain significance. Last evaluated: 2025-03-10. Review status: criteria provided, single submitter. Criteria: Invitae Variant Classification Sherloc (09022015). Collection method: clinical testing. Allele origin: germline.
Comment: This sequence change replaces asparagine, which is neutral and polar, with serine, which is neutral and polar, at codon 751 of the ROR2 protein (p.Asn751Ser). The frequency data for this variant in the population databases is considered unreliable, as metrics indicate poor data quality at this position in the gnomAD database. This variant has not been reported in the literature in individuals affected with ROR2-related conditions. Invitae Evidence Modeling of protein sequence and biophysical properties (such as structural, functional, and spatial information, amino acid conservation, physicochemical variation, residue mobility, and thermodynamic stability) indicates that this missense variant is not expected to disrupt ROR2 protein function with a negative predictive value of 80%. In summary, the available evidence is currently insufficient to determine the role of this variant in disease. Therefore, it has been classified as a Variant of Uncertain Significance.